The following is an entry in ClinVar:

ClinVar aggregate classification (germline): Uncertain significance (1 of 4 stars; one submission).

Conditions:
Familial adenomatous polyposis 1 (FAP1). Also called: POLYPOSIS, ADENOMATOUS INTESTINAL; FAMILIAL ADENOMATOUS POLYPOSIS 1, ATTENUATED. Identifiers: MedGen C2713442, MONDO:0021056, OMIM 175100. Disease mechanism: loss of function.

Submission:

Labcorp Genetics (formerly Invitae), Labcorp
Classification: Uncertain significance for Familial adenomatous polyposis 1. Last evaluated: 2025-05-07. Review status: criteria provided, single submitter. Criteria: Invitae Variant Classification Sherloc (09022015). Collection method: clinical testing. Allele origin: germline.
Comment: This sequence change replaces proline, which is neutral and non-polar, with arginine, which is basic and polar, at codon 2536 of the APC protein (p.Pro2536Arg). This variant is not present in population databases (gnomAD no frequency). This variant has not been reported in the literature in individuals affected with APC-related conditions. Invitae Evidence Modeling of protein sequence and biophysical properties (such as structural, functional, and spatial information, amino acid conservation, physicochemical variation, residue mobility, and thermodynamic stability) indicates that this missense variant is not expected to disrupt APC protein function with a negative predictive value of 95%. In summary, the available evidence is currently insufficient to determine the role of this variant in disease. Therefore, it has been classified as a Variant of Uncertain Significance.

NM_000038.6(APC):c.7607C>G (p.Pro2536Arg)

Gene: APC (APC regulator of Wnt signaling pathway; plus strand). Cytogenetic location: 5q22.2.
Variant type: single nucleotide variant.
Coding change: c.7607C>G on transcript NM_000038.6 (MANE Select); coding-DNA position 7607, C replaced by G.
Protein change: p.Pro2536Arg; replaces proline 2536 with arginine.
Molecular consequence: missense variant. On other transcripts: non-coding transcript variant (2).
Genome position (GRCh38, 1-based): chr5:112,843,201, C>G. VCF-style: chr5-112843201-C-G. GRCh37 (hg19) VCF-style: chr5-112178898-C-G.
Other names: c.7607C>G, p.Pro2536Arg (NM_001127510.3, NM_001354895.2, NM_001407450.1); c.7553C>G, p.Pro2518Arg (NM_001127511.3); c.7661C>G, p.Pro2554Arg (NM_001354896.2, NM_001407447.1, NM_001407448.1 and 1 more transcripts); c.7637C>G, p.Pro2546Arg (NM_001354897.2); c.7532C>G, p.Pro2511Arg (NM_001354898.2); c.7523C>G, p.Pro2508Arg (NM_001354899.2); c.7484C>G, p.Pro2495Arg (NM_001354900.2); c.7430C>G, p.Pro2477Arg (NM_001354901.2, NM_001407453.1); and 11 more; short protein forms P2508R, P2511R, P2410R, P2445R, P2529R, P2253R, P2376R, P2407R.
Identifiers: ClinVar variation 4738739 (VCV004738739.1).